The following is an entry in ClinVar:

ClinVar aggregate classification (germline): Conflicting classifications of pathogenicity. Review status: criteria provided, conflicting classifications (1 of 4 stars). 2 submissions from 2 submitters: Uncertain significance (1); Likely benign (1). Last evaluated 2023-04-10.

Conditions:
Nemaline myopathy 2 (NEM2). Also called: Nemaline myopathy 2, autosomal recessive. Identifiers: MedGen C1850569, MONDO:0009725, OMIM 256030.

Allele frequency attached by ClinVar (database versions not stated): TOPMed below 0.00001; gnomAD 0.00001; gnomAD exomes 0.00001.
gnomAD v4.1: 14 of 1,517,436 alleles (0.00092%); highest among the groups gnomAD compares: East Asian, 0.0024%; no homozygotes.

Submissions (2):

Labcorp Genetics (formerly Invitae), Labcorp
Classification: Likely benign for Nemaline myopathy 2. Last evaluated: 2023-04-10. Review status: criteria provided, single submitter. Criteria: Invitae Variant Classification Sherloc (09022015). Collection method: clinical testing. Allele origin: germline.

Baylor Genetics
Classification: Uncertain significance for Nemaline myopathy 2. Last evaluated: 2018-09-20. Review status: criteria provided, single submitter. Criteria: ACMG Guidelines, 2015. Collection method: clinical testing. Allele origin: maternal. Affected: yes.
Comment: This variant was determined to be of uncertain significance according to ACMG Guidelines, 2015 [PMID:25741868].

NM_001164508.2(NEB):c.22906-6C>T

Genes: RIF1 (replication timing regulatory factor 1; plus strand), NEB (nebulin; minus strand). Cytogenetic location: 2q23.3.
Variant type: single nucleotide variant.
Coding change: c.22906-6C>T on transcript NM_001164508.2 (MANE Select); 6 bases into the intron before coding-DNA position 22906, C replaced by T.
Molecular consequence: intron variant.
Genome position (GRCh38, 1-based): chr2:151,514,934, G>A on the plus strand (C>T on the coding strand, the complement: NEB is on the minus strand). VCF-style: chr2-151514934-G-A. GRCh37 (hg19) VCF-style: chr2-152371448-G-A.
Other names: c.17803-6C>T (NM_004543.5); c.22906-6C>T (NM_001164507.2); c.23011-6C>T (NM_001271208.2).
Identifiers: ClinVar variation 465569 (VCV000465569.11), dbSNP rs1449487575, ClinGen allele CA536633067.
Genomic context (GRCh38, chr2:151,514,934, plus strand): 5'-GGCCAGTCAGGTTTCTGCCTTTAATGGACTCTTCATAATCTTTCCTATATTCTTTCTAAT[G>A]TAAGTAGGAAGGAAAGACAAGTTAAAAAAAAATCTTTATTACAATATATCTCTCCATCTC-3'